The following is an entry in ClinVar:

ClinVar aggregate classification (germline): Uncertain significance (1 of 4 stars; one submission).

Conditions:
Glycogen storage disease IXd (GSD9D). Also called: Muscle Phosphorylase Kinase Deficiency; GSD IXd. Identifiers: Orphanet 715, MedGen C1845151, MONDO:0010362, OMIM 300559.

Allele frequency attached by ClinVar (database versions not stated): gnomAD exomes below 0.00001 and 0.00001; ExAC 0.00001.
gnomAD v4.1: 2 of 1,211,170 alleles (0.00017%); highest among the groups gnomAD compares: South Asian, 0.0018%; no homozygotes.

Submission:

Labcorp Genetics (formerly Invitae), Labcorp
Classification: Uncertain significance for Glycogen storage disease IXd. Last evaluated: 2022-01-12. Review status: criteria provided, single submitter. Criteria: Invitae Variant Classification Sherloc (09022015). Collection method: clinical testing. Allele origin: germline.
Comment: In summary, the available evidence is currently insufficient to determine the role of this variant in disease. Therefore, it has been classified as a Variant of Uncertain Significance. Algorithms developed to predict the effect of missense changes on protein structure and function (SIFT, PolyPhen-2, Align-GVGD) all suggest that this variant is likely to be tolerated. This variant has not been reported in the literature in individuals affected with PHKA1-related conditions. The frequency data for this variant in the population databases is considered unreliable, as metrics indicate poor data quality at this position in the gnomAD database. This sequence change replaces threonine, which is neutral and polar, with isoleucine, which is neutral and non-polar, at codon 1209 of the PHKA1 protein (p.Thr1209Ile).

NM_002637.4(PHKA1):c.3626C>T (p.Thr1209Ile)

Gene: PHKA1 (phosphorylase kinase regulatory subunit alpha 1; minus strand). Cytogenetic location: Xq13.1.
Variant type: single nucleotide variant.
Coding change: c.3626C>T on transcript NM_002637.4 (MANE Select); coding-DNA position 3626, C replaced by T.
Protein change: p.Thr1209Ile; replaces threonine 1209 with isoleucine.
Molecular consequence: missense variant.
Genome position (GRCh38, 1-based): chrX:72,581,048, G>A on the plus strand (C>T on the coding strand, the complement: PHKA1 is on the minus strand). VCF-style: chrX-72581048-G-A. GRCh37 (hg19) VCF-style: chrX-71800898-G-A.
Other names: c.3587C>T, p.Thr1196Ile (NM_001122670.2); c.3410C>T, p.Thr1137Ile (NM_001172436.2); short protein forms T1196I, T1137I, T1209I.
Identifiers: ClinVar variation 1361184 (VCV001361184.6), dbSNP rs782528795, ClinGen allele CA10450418.